The following is an entry in ClinVar:

ClinVar aggregate classification (germline): Uncertain significance (1 of 4 stars; one submission).

Submission:

Labcorp Genetics (formerly Invitae), Labcorp
Classification: Uncertain significance. Last evaluated: 2022-06-12. Review status: criteria provided, single submitter. Criteria: Invitae Variant Classification Sherloc (09022015). Collection method: clinical testing. Allele origin: germline.
Comment: In summary, the available evidence is currently insufficient to determine the role of this variant in disease. Therefore, it has been classified as a Variant of Uncertain Significance. Algorithms developed to predict the effect of missense changes on protein structure and function are either unavailable or do not agree on the potential impact of this missense change (SIFT: "Tolerated"; PolyPhen-2: "Probably Damaging"; Align-GVGD: "Class C0"). This variant has not been reported in the literature in individuals affected with ATF6-related conditions. This variant is not present in population databases (gnomAD no frequency). This sequence change replaces aspartic acid, which is acidic and polar, with asparagine, which is neutral and polar, at codon 122 of the ATF6 protein (p.Asp122Asn).

NM_007348.4(ATF6):c.364G>A (p.Asp122Asn)

Gene: ATF6 (activating transcription factor 6; plus strand). Cytogenetic location: 1q23.3.
Variant type: single nucleotide variant.
Coding change: c.364G>A on transcript NM_007348.4 (MANE Select); coding-DNA position 364, G replaced by A.
Protein change: p.Asp122Asn; replaces aspartic acid 122 with asparagine.
Molecular consequence: missense variant.
Genome position (GRCh38, 1-based): chr1:161,791,417, G>A. VCF-style: chr1-161791417-G-A. GRCh37 (hg19) VCF-style: chr1-161761207-G-A.
Other names: c.364G>A, p.Asp122Asn (NM_001410890.1); short protein forms D122N.
Identifiers: ClinVar variation 2005317 (VCV002005317.3), dbSNP rs1221405888, ClinGen allele CA343385853.
Genomic context (GRCh38, chr1:161,791,417, plus strand): 5'-TTTGCTGCTTAAGGATTATACTCATTAATTTTTGTTTTTATTATGCTACAGGAGGAGTTG[G>A]ATTTGTCTTCTAGTTCTCAGATGTCTCCCCTTTCCTTATATGGTGAAAACTCTAATAGTC-3'
Protein context (NP_031374.2, residues 112-132): SSTQHVPEEL[Asp122Asn]LSSSSQMSPL